The following is an entry in ClinVar:

NM_206933.4(USH2A):c.9487C>A (p.Gln3163Lys)

Gene: USH2A (usherin; minus strand). Cytogenetic location: 1q41.
Variant type: single nucleotide variant.
Coding change: c.9487C>A on transcript NM_206933.4 (MANE Select); coding-DNA position 9487, C replaced by A.
Protein change: p.Gln3163Lys; replaces glutamine 3163 with lysine.
Molecular consequence: missense variant.
Genome position (GRCh38, 1-based): chr1:215,817,080, G>T on the plus strand (C>A on the coding strand, the complement: USH2A is on the minus strand). VCF-style: chr1-215817080-G-T. GRCh37 (hg19) VCF-style: chr1-215990422-G-T.
Other names: short protein forms Q3163K.
Identifiers: ClinVar variation 1906437 (VCV001906437.2), dbSNP rs188988614, ClinGen allele CA37428058.

ClinVar aggregate classification (germline): Uncertain significance (1 of 4 stars; one submission).

Allele frequency attached by ClinVar (database versions not stated): gnomAD 0.00001; gnomAD exomes 0.00001; 1000 Genomes Project 0.00020; 1000 Genomes Project 30x 0.00031.
gnomAD v4.1: 6 of 1,612,840 alleles (0.00037%); highest among the groups gnomAD compares: Admixed American, 0.01%; no homozygotes.

Submission:

Labcorp Genetics (formerly Invitae), Labcorp
Classification: Uncertain significance. Last evaluated: 2022-07-10. Review status: criteria provided, single submitter. Criteria: Invitae Variant Classification Sherloc (09022015). Collection method: clinical testing. Allele origin: germline.
Comment: This sequence change replaces glutamine, which is neutral and polar, with lysine, which is basic and polar, at codon 3163 of the USH2A protein (p.Gln3163Lys). The frequency data for this variant in the population databases is considered unreliable, as metrics indicate poor data quality at this position in the gnomAD database. This variant has not been reported in the literature in individuals affected with USH2A-related conditions. Algorithms developed to predict the effect of missense changes on protein structure and function (SIFT, PolyPhen-2, Align-GVGD) all suggest that this variant is likely to be tolerated. In summary, the available evidence is currently insufficient to determine the role of this variant in disease. Therefore, it has been classified as a Variant of Uncertain Significance.